The following is an entry in ClinVar:

NM_001083116.3(PRF1):c.394G>A (p.Gly132Arg)

Gene: PRF1 (perforin 1; minus strand). Cytogenetic location: 10q22.1.
Variant type: single nucleotide variant.
Coding change: c.394G>A on transcript NM_001083116.3 (MANE Select); coding-DNA position 394, G replaced by A.
Protein change: p.Gly132Arg; replaces glycine 132 with arginine.
Molecular consequence: missense variant.
Genome position (GRCh38, 1-based): chr10:70,600,509, C>T on the plus strand (G>A on the coding strand, the complement: PRF1 is on the minus strand). VCF-style: chr10-70600509-C-T. GRCh37 (hg19) VCF-style: chr10-72360265-C-T.
Other names: c.394G>A, p.Gly132Arg (NM_005041.6); short protein forms G132R.
Identifiers: ClinVar variation 2678058 (VCV002678058.9), dbSNP rs201382038, ClinGen allele CA5539047.
Genomic context (GRCh38, chr10:70,600,509, plus strand): 5'-AGTGTGAGCCGGCCACAGACACATGCACATTGCTGGTGGGCTTAGGAGTCACGTCCAGCC[C>T]GACCTTCCAGTCGTTGCGGATGCTACGAGCCGCATCCCGGGCCACAGCTTCAGTGGAGCT-3'
Protein context (NP_001076585.1, residues 122-142): ARSIRNDWKV[Gly132Arg]LDVTPKPTSN

ClinVar aggregate classification (germline): Pathogenic/Likely pathogenic. Review status: criteria provided, multiple submitters, no conflicts (2 of 4 stars). 6 submissions from 6 submitters: Pathogenic (4); Likely pathogenic (2). Last evaluated 2025-10-01.

Conditions:
Aplastic anemia. Identifiers: Orphanet 182040, Orphanet 88, MedGen C0002874, MONDO:0015909, OMIM 609135, HP:0001915.
Lymphoma, non-Hodgkin, familial. Identifiers: MedGen C4721532, MONDO:0011508, OMIM 605027.
Familial hemophagocytic lymphohistiocytosis 2 (FHL2). Also called: PRF1-Related Familial Hemophagocytic Lymphohistiocytosis (PRF1-fHLH). Identifiers: Orphanet 540, MedGen C1863727, MONDO:0011337, OMIM 603553.
Familial hemophagocytic lymphohistiocytosis (FHL). Also called: Hereditary hemophagocytic lymphohistiocytosis; Familial erythrophagocytic lymphohistiocytosis; Familial histiocytic reticulosis. Identifiers: Orphanet 158038, Orphanet 540, MedGen C0272199, MONDO:0015541.

Allele frequency attached by ClinVar (database versions not stated): ExAC 0.00001.

Submissions (6):

3billion
Classification: Pathogenic for Familial hemophagocytic lymphohistiocytosis 2. Last evaluated: 2025-10-01. Review status: criteria provided, single submitter. Criteria: ACMG Guidelines, 2015. Collection method: clinical testing. Allele origin: germline. Affected: yes.
Comment: The variant is observed at an extremely low frequency in the gnomAD v4.1.0 dataset (total allele frequency: <0.001%). Predicted Consequence/Location: Missense variant In silico tool predictions suggest damaging effect of the variant on gene or gene product [3Cnet: 0.99 (> 0.75, sensitivity 0.96 and precision 0.92)]. The same nucleotide change resulting in the same amino acid change has been previously reported as pathogenic/likely pathogenic with strong evidence (ClinVar ID: VCV002678058 /PMID: 21600143). The variant has been reported to be in trans with a pathogenic variant as either compound heterozygous or homozygous in at least 2 similarly affected unrelated individuals (PMID: 31388699, 34992599, 37390248). Therefore, this variant is classified as Pathogenic according to the recommendation of ACMG/AMP guideline.

Labcorp Genetics (formerly Invitae), Labcorp
Classification: Pathogenic for Familial hemophagocytic lymphohistiocytosis 2. Last evaluated: 2025-06-12. Review status: criteria provided, single submitter. Criteria: Invitae Variant Classification Sherloc (09022015). Collection method: clinical testing. Allele origin: germline.
Comment: This sequence change replaces glycine, which is neutral and non-polar, with arginine, which is basic and polar, at codon 132 of the PRF1 protein (p.Gly132Arg). This variant is present in population databases (rs201382038, gnomAD 0.007%). This missense change has been observed in individual(s) with hemophagocytic lymphohistiocytosis (PMID: 21600143, 25110876, 29665027, 31388699, 34992599, 37390248). In at least one individual the data is consistent with being in trans (on the opposite chromosome) from a pathogenic variant. It has also been observed to segregate with disease in related individuals. ClinVar contains an entry for this variant (Variation ID: 2678058). Invitae Evidence Modeling of protein sequence and biophysical properties (such as structural, functional, and spatial information, amino acid conservation, physicochemical variation, residue mobility, and thermodynamic stability) indicates that this missense variant is expected to disrupt PRF1 protein function with a positive predictive value of 95%. For these reasons, this variant has been classified as Pathogenic.

Women's Health and Genetics/Laboratory Corporation of America, LabCorp
Classification: Pathogenic for Familial hemophagocytic lymphohistiocytosis. Last evaluated: 2024-08-22. Review status: criteria provided, single submitter. Criteria: LabCorp Variant Classification Summary - May 2015. Collection method: clinical testing. Allele origin: germline.
Comment: Variant summary: PRF1 c.394G>A (p.Gly132Arg) results in a non-conservative amino acid change located in the Membrane attack complex component/perforin (MACPF) domain (IPR020864) of the encoded protein sequence. Four of five in-silico tools predict a damaging effect of the variant on protein function. The variant allele was found at a frequency of 4e-06 in 251264 control chromosomes. c.394G>A has been reported in the literature in multiple homozygous or compound heterozygous individuals affected with Familial Hemophagocytic Lymphohistiocytosis (e.g. Hussein_2014, Elsink_2021, Zhang_2019, You_2023). These data indicate that the variant is very likely to be associated with disease. The following publications have been ascertained in the context of this evaluation (PMID: 34992599, 25110876, 37390248, 31388699). ClinVar contains an entry for this variant (Variation ID: 2678058). Based on the evidence outlined above, the variant was classified as pathogenic.

Baylor Genetics
Classification: Pathogenic for Aplastic anemia. Last evaluated: 2024-02-05. Review status: criteria provided, single submitter. Criteria: ACMG Guidelines, 2015. Collection method: clinical testing. Allele origin: unknown.

GeneDx
Classification: Likely pathogenic. Last evaluated: 2023-06-16. Review status: criteria provided, single submitter. Criteria: GeneDx Variant Classification Process June 2021. Collection method: clinical testing. Allele origin: germline. Affected: yes.
Comment: Reported with a second PRF1 variant in patients with hemophagocytic lymphohistiocytosis in published literature (Zhang et al., 2019; Zhang et al., 2020; Bi et al., 2021); Not observed at significant frequency in large population cohorts (gnomAD); In silico analysis supports that this missense variant has a deleterious effect on protein structure/function; This variant is associated with the following publications: (PMID: 34992599, 21600143, 25110876, 29665027, 26184781, 34368327, 31388699, 32375849)

Juno Genomics, Hangzhou Juno Genomics, Inc
Classification: Likely pathogenic for Aplastic anemia; Lymphoma, non-Hodgkin, familial; Familial hemophagocytic lymphohistiocytosis 2. Review status: criteria provided, single submitter. Criteria: ACMG Guidelines, 2015. Collection method: clinical testing. Allele origin: germline.
Comment: Absent from controls (or at extremely low frequency if recessive) in Genome Aggregation Database.;For recessive disorders, detected in trans with a pathogenic variant.;Co-segregation with disease in multiple affected family members.;Patient's phenotype or family history is highly specific for a disease with a single genetic etiology.

Literature cited by the submitters: PubMed 37390248 (cited by 3 submitters); PubMed 34992599 (cited by 3 submitters); PubMed 21600143 (cited by 3billion and Labcorp Genetics (formerly Invitae), Labcorp); PubMed 31388699 (cited by 3 submitters); PubMed 25110876 (cited by Labcorp Genetics (formerly Invitae), Labcorp and Women's Health and Genetics/Laboratory Corporation of America, LabCorp); PubMed 29665027 (cited by Labcorp Genetics (formerly Invitae), Labcorp).